The following is an entry in ClinVar:

ClinVar aggregate classification (germline): Uncertain significance (1 of 4 stars; one submission).

gnomAD v4.1: 5 of 1,614,132 alleles (0.00031%); highest among the groups gnomAD compares: South Asian, 0.0055%; no homozygotes.

Submission:

Labcorp Genetics (formerly Invitae), Labcorp
Classification: Uncertain significance. Last evaluated: 2025-07-23. Review status: criteria provided, single submitter. Criteria: Invitae Variant Classification Sherloc (09022015). Collection method: clinical testing. Allele origin: germline.
Comment: This sequence change replaces asparagine, which is neutral and polar, with serine, which is neutral and polar, at codon 146 of the SLC1A2 protein (p.Asn146Ser). This variant is present in population databases (rs746958194, gnomAD 0.006%). This variant has not been reported in the literature in individuals affected with SLC1A2-related conditions. Invitae Evidence Modeling of protein sequence and biophysical properties (such as structural, functional, and spatial information, amino acid conservation, physicochemical variation, residue mobility, and thermodynamic stability) indicates that this missense variant is not expected to disrupt SLC1A2 protein function with a negative predictive value of 80%. In summary, the available evidence is currently insufficient to determine the role of this variant in disease. Therefore, it has been classified as a Variant of Uncertain Significance.

NM_004171.4(SLC1A2):c.437A>G (p.Asn146Ser)

Gene: SLC1A2 (solute carrier family 1 member 2; minus strand). Cytogenetic location: 11p13.
Variant type: single nucleotide variant.
Coding change: c.437A>G on transcript NM_004171.4 (MANE Select); coding-DNA position 437, A replaced by G.
Protein change: p.Asn146Ser; replaces asparagine 146 with serine.
Molecular consequence: missense variant.
Genome position (GRCh38, 1-based): chr11:35,312,322, T>C on the plus strand (A>G on the coding strand, the complement: SLC1A2 is on the minus strand). VCF-style: chr11-35312322-T-C. GRCh37 (hg19) VCF-style: chr11-35333869-T-C.
Other names: c.410A>G, p.Asn137Ser (NM_001195728.3, NM_001252652.2, NM_001439341.1); c.425A>G, p.Asn142Ser (NM_001439342.1); c.437A>G, p.Asn146Ser (NM_001439343.1); short protein forms N146S, N137S, N142S.
Identifiers: ClinVar variation 4700206 (VCV004700206.1).